The following is an entry in ClinVar:

NC_000022.10:g.(?_50297486)_(51066207_?)del

Genes: ADM2 (adrenomedullin 2; plus strand), ALG12 (ALG12 alpha-1,6-mannosyltransferase; minus strand), ARSA (arylsulfatase A; minus strand), CHKB (choline kinase beta; minus strand), CIMAP1B (ciliary microtubule associated protein 1B; minus strand) and 26 more. Cytogenetic location: 22q13.33.
Variant type: Deletion.
Identifiers: ClinVar variation 2425301 (VCV002425301.4).

ClinVar aggregate classification (germline): Pathogenic (1 of 4 stars; one submission).

Submission:

Labcorp Genetics (formerly Invitae), Labcorp
Classification: Pathogenic. Last evaluated: 2022-08-22. Review status: criteria provided, single submitter. Criteria: Invitae Variant Classification Sherloc (09022015). Collection method: clinical testing. Allele origin: germline.
Comment: A gross deletion of the genomic region encompassing the full coding sequence of the SCO2 gene has been identified. Loss-of-function variants in SCO2 are known to be pathogenic (PMID: 10545952, 23719228). The boundaries of this event are unknown as they extend beyond the assayed region for this gene and therefore may encompass additional genes. A similar copy number variant has been observed in individual(s) with severe, early onset hypertrophic cardiomyopathy (PMID: 16765077). In at least one individual the data is consistent with being in trans (on the opposite chromosome) from a pathogenic variant. For these reasons, this variant has been classified as Pathogenic.

Literature cited by the submitters: PubMed 10545952; PubMed 23719228; PubMed 16765077.